The following is an entry in ClinVar:

NM_001136018.4(EPHX1):c.726C>T (p.His242=)

Gene: EPHX1 (epoxide hydrolase 1; plus strand). Cytogenetic location: 1q42.12.
Variant type: single nucleotide variant.
Coding change: c.726C>T on transcript NM_001136018.4 (MANE Select); coding-DNA position 726, C replaced by T.
Protein change: p.His242=; no amino-acid change (histidine 242 retained).
Molecular consequence: synonymous variant. On other transcripts: non-coding transcript variant (1), intron variant (1).
Genome position (GRCh38, 1-based): chr1:225,839,832, C>T. VCF-style: chr1-225839832-C-T. GRCh37 (hg19) VCF-style: chr1-226027533-C-T.
Other names: c.726C>T, p.His242= (NM_000120.4, NM_001291163.2, NM_001378426.1 and 3 more transcripts); c.699C>T, p.His233= (NM_001378428.1); c.498C>T, p.His166= (NM_001378431.1); c.365-2534C>T (NM_001378432.1).
Identifiers: ClinVar variation 4981655 (VCV004981655.1).

ClinVar aggregate classification (germline): Likely benign (1 of 4 stars; one submission).

Conditions:
EPHX1-related disorder. Also called: EPHX1-related condition.

gnomAD v4.1: 17 of 1,613,652 alleles (0.0011%); highest among the groups gnomAD compares: East Asian, 0.0045%; no homozygotes.

Submission:

PreventionGenetics, part of Exact Sciences
Classification: Likely benign for EPHX1-related condition. Last evaluated: 2025-12-18. Review status: criteria provided, single submitter. Criteria: ACMG Guidelines, 2015. Collection method: clinical testing. Allele origin: germline.
Comment: This variant is classified as likely benign based on ACMG/AMP sequence variant interpretation guidelines (Richards et al. 2015 PMID: 25741868, with internal and published modifications).